The following is an entry in ClinVar:

ClinVar aggregate classification (germline): Uncertain significance (1 of 4 stars; one submission).

Conditions:
Hypertrophic cardiomyopathy 9. Also called: Familial hypertrophic cardiomyopathy 9. Identifiers: MedGen C1861065, MONDO:0013412, OMIM 613765.
Myopathy, myofibrillar, 9, with early respiratory failure (MFM9). Also called: Hereditary myopathy with early respiratory failure; EDSTROM MYOPATHY; MYOPATHY, PROXIMAL, WITH EARLY RESPIRATORY MUSCLE INVOLVEMENT; Myopathy, distal, with early respiratory failure, autosomal dominant. Identifiers: Orphanet 178464, Orphanet 34521, MedGen C1863599, MONDO:0011362, OMIM 603689.
Early-onset myopathy with fatal cardiomyopathy (CMYO5). Also called: CONGENITAL MYOPATHY 5 WITH CARDIOMYOPATHY; Salih Myopathy. Identifiers: Orphanet 289377, MedGen C2673677, MONDO:0012714, OMIM 611705. Disease mechanism: loss of function.
Autosomal recessive limb-girdle muscular dystrophy type 2J (LGMDR10). Also called: Limb-girdle muscular dystrophy, type 2J; MUSCULAR DYSTROPHY, LIMB-GIRDLE, AUTOSOMAL RECESSIVE 10. Identifiers: Orphanet 140922, MedGen C1837342, MONDO:0012127, OMIM 608807.
Dilated cardiomyopathy 1G (CMD1G). Identifiers: Orphanet 154, MedGen C1858763, MONDO:0011400, OMIM 604145.
Tibial muscular dystrophy (TMD). Also called: UDD MYOPATHY; Udd Distal Myopathy – Tibial Muscular Dystrophy; Tibial muscular dystrophy, tardive. Identifiers: Orphanet 609, MedGen C1838244, MONDO:0010870, OMIM 600334.

Submission:

Juno Genomics, Hangzhou Juno Genomics, Inc
Classification: Uncertain significance for Hypertrophic cardiomyopathy 9; Myopathy, myofibrillar, 9, with early respiratory failure; Tibial muscular dystrophy; Early-onset myopathy with fatal cardiomyopathy; Dilated cardiomyopathy 1G; Autosomal recessive limb-girdle muscular dystrophy type 2J. Review status: criteria provided, single submitter. Criteria: ACMG Guidelines, 2015. Collection method: clinical testing. Allele origin: germline.
Comment: Null variant in a gene where loss of function (LOF) is a known mechanism of disease.;Absent from controls (or at extremely low frequency if recessive) in Genome Aggregation Database.

NM_001267550.2(TTN):c.94219+1G>T

Genes: TTN (titin; minus strand), TTN-AS1 (TTN antisense RNA 1; plus strand). Cytogenetic location: 2q31.2.
Variant type: single nucleotide variant.
Coding change: c.94219+1G>T on transcript NM_001267550.2 (MANE Select); the canonical splice donor site of the intron after coding-DNA position 94219, G replaced by T.
Molecular consequence: splice donor variant.
Genome position (GRCh38, 1-based): chr2:178,547,406, C>A on the plus strand (G>T on the coding strand, the complement: TTN is on the minus strand). VCF-style: chr2-178547406-C-A. GRCh37 (hg19) VCF-style: chr2-179412133-C-A.
Other names: c.67024+1G>T (NM_003319.4); c.67600+1G>T (NM_133437.4); c.67399+1G>T (NM_133432.3); c.86515+1G>T (NM_133378.4); c.89296+1G>T (NM_001256850.1).
Identifiers: ClinVar variation 5006140 (VCV005006140.2).